The following is an entry in ClinVar:

NM_144670.6(A2ML1):c.2463G>T (p.Arg821Ser)

Gene: A2ML1 (alpha-2-macroglobulin like 1; plus strand). Cytogenetic location: 12p13.31.
Variant type: single nucleotide variant.
Coding change: c.2463G>T on transcript NM_144670.6 (MANE Select); coding-DNA position 2463, G replaced by T.
Protein change: p.Arg821Ser; replaces arginine 821 with serine.
Molecular consequence: missense variant.
Genome position (GRCh38, 1-based): chr12:8,852,012, G>T. VCF-style: chr12-8852012-G-T. GRCh37 (hg19) VCF-style: chr12-9004608-G-T.
Other names: c.990G>T, p.Arg330Ser (NM_001282424.3); short protein forms R330S, R821S.
Identifiers: ClinVar variation 857057 (VCV000857057.9), dbSNP rs1943910170, ClinGen allele CA383833532.
Genomic context (GRCh38, chr12:8,852,012, plus strand): 5'-CCGTGGGGAATCCTTTCGTCTTACTGCCACCATCTTCAATTACCTAAAGGATTGCATCAG[G>T]GTGAGAGCTGGGGATACAGGAATCAGGTGTCAGCCCTGGAATCACACCTCCCCCATAAGT-3'
Protein context (NP_653271.3, residues 811-831): TIFNYLKDCI[Arg821Ser]VQTDLAKSHE

ClinVar aggregate classification (germline): Uncertain significance (1 of 4 stars; one submission).

Allele frequency attached by ClinVar (database versions not stated): gnomAD exomes 0.00001.

Submission:

Labcorp Genetics (formerly Invitae), Labcorp
Classification: Uncertain significance. Last evaluated: 2019-02-13. Review status: criteria provided, single submitter. Criteria: Invitae Variant Classification Sherloc (09022015). Collection method: clinical testing. Allele origin: germline.
Comment: This variant has not been reported in the literature in individuals with A2ML1-related conditions. In summary, the available evidence is currently insufficient to determine the role of this variant in disease. Therefore, it has been classified as a Variant of Uncertain Significance. Nucleotide substitutions within the consensus splice site are a relatively common cause of aberrant splicing (PMID: 17576681, 9536098). Algorithms developed to predict the effect of sequence changes on RNA splicing suggest that this variant may disrupt the consensus splice site, but this prediction has not been confirmed by published transcriptional studies. Algorithms developed to predict the effect of missense changes on protein structure and function (SIFT, PolyPhen-2, Align-GVGD) all suggest that this variant is likely to be tolerated, but these predictions have not been confirmed by published functional studies and their clinical significance is uncertain. This variant is not present in population databases (ExAC no frequency). This sequence change replaces arginine with serine at codon 821 of the A2ML1 protein (p.Arg821Ser). The arginine residue is weakly conserved and there is a moderate physicochemical difference between arginine and serine. This variant also falls at the last nucleotide of exon 19 of the A2ML1 coding sequence, which is part of the consensus splice site for this exon.

Literature cited by the submitters: PubMed 17576681; PubMed 9536098.